The following is an entry in ClinVar:

NM_016151.4(TAOK2):c.1363C>T (p.Arg455Cys)

Gene: TAOK2 (TAO kinase 2; plus strand). Cytogenetic location: 16p11.2.
Variant type: single nucleotide variant.
Coding change: c.1363C>T on transcript NM_016151.4 (MANE Select); coding-DNA position 1363, C replaced by T.
Protein change: p.Arg455Cys; replaces arginine 455 with cysteine.
Molecular consequence: missense variant.
Genome position (GRCh38, 1-based): chr16:29,983,605, C>T. VCF-style: chr16-29983605-C-T. GRCh37 (hg19) VCF-style: chr16-29994926-C-T.
Other names: c.1363C>T, p.Arg455Cys (NM_001252043.2, NM_004783.4); short protein forms R455C.
Identifiers: ClinVar variation 1358157 (VCV001358157.8), dbSNP rs771174306, ClinGen allele CA7998122.

ClinVar aggregate classification (germline): Uncertain significance (1 of 4 stars; one submission).

Allele frequency attached by ClinVar (database versions not stated): gnomAD 0.00001; gnomAD exomes 0.00001 and 0.00002; TOPMed 0.00001; ExAC 0.00002.
gnomAD v4.1: 16 of 1,613,672 alleles (0.00099%); highest among the groups gnomAD compares: African/African-American, 0.004%; no homozygotes.

Submission:

Labcorp Genetics (formerly Invitae), Labcorp
Classification: Uncertain significance. Last evaluated: 2025-08-20. Review status: criteria provided, single submitter. Criteria: Invitae Variant Classification Sherloc (09022015). Collection method: clinical testing. Allele origin: germline.
Comment: This sequence change replaces arginine, which is basic and polar, with cysteine, which is neutral and slightly polar, at codon 455 of the TAOK2 protein (p.Arg455Cys). This variant is present in population databases (rs771174306, gnomAD 0.003%). This variant has not been reported in the literature in individuals affected with TAOK2-related conditions. ClinVar contains an entry for this variant (Variation ID: 1358157). An algorithm developed to predict the effect of missense changes on protein structure and function (PolyPhen-2) suggests that this variant is likely to be disruptive. In summary, the available evidence is currently insufficient to determine the role of this variant in disease. Therefore, it has been classified as a Variant of Uncertain Significance.